The following is an entry in ClinVar:

ClinVar aggregate classification (germline): Uncertain significance. Review status: criteria provided, multiple submitters, no conflicts (2 of 4 stars). 5 submissions from 5 submitters: Uncertain significance (4). 1 of the submissions does not count toward it. Last evaluated 2026-01-21.

Conditions:
IMPG1-related disorder. Also called: IMPG1-related condition.
Retinal dystrophy. Also called: Inherited retinal dystrophy. Identifiers: Orphanet 71862, MedGen C0854723, MeSH D058499, MONDO:0019118, HP:0000556.

Allele frequency attached by ClinVar (database versions not stated): gnomAD exomes 0.00001 and 0.00003; gnomAD 0.00002; TOPMed 0.00002; ExAC 0.00003.
gnomAD v4.1: 21 of 1,613,730 alleles (0.0013%); highest among the groups gnomAD compares: Non-Finnish European, 0.0017%; no homozygotes.

Submissions (5):

PreventionGenetics, part of Exact Sciences
Classification: Uncertain significance for IMPG1-related condition. Last evaluated: 2026-01-21. Review status: criteria provided, single submitter. Criteria: ACMG Guidelines, 2015. Collection method: clinical testing. Allele origin: germline.
Comment: The IMPG1 c.1882T>C variant is predicted to result in the amino acid substitution p.Phe628Leu. To our knowledge, this variant has not been reported in the literature. This variant is reported in 0.0053% of alleles in individuals of European (Non-Finnish) descent in gnomAD. At this time, the clinical significance of this variant is uncertain due to the absence of conclusive functional and genetic evidence.

Labcorp Genetics (formerly Invitae), Labcorp
Classification: Uncertain significance. Last evaluated: 2025-04-16. Review status: criteria provided, single submitter. Criteria: Invitae Variant Classification Sherloc (09022015). Collection method: clinical testing. Allele origin: germline.
Comment: This sequence change replaces phenylalanine, which is neutral and non-polar, with leucine, which is neutral and non-polar, at codon 628 of the IMPG1 protein (p.Phe628Leu). This variant is present in population databases (rs756434628, gnomAD 0.005%). This missense change has been observed in individual(s) with clinical features of retinitis pigmentosa (internal data). ClinVar contains an entry for this variant (Variation ID: 855864). An algorithm developed to predict the effect of missense changes on protein structure and function (PolyPhen-2) suggests that this variant is likely to be disruptive. In summary, the available evidence is currently insufficient to determine the role of this variant in disease. Therefore, it has been classified as a Variant of Uncertain Significance.

Blueprint Genetics
Classification: Uncertain significance. Last evaluated: 2024-03-07. Review status: criteria provided, single submitter. Criteria: ACMG Guidelines, 2015. Collection method: clinical testing. Allele origin: germline.

Ambry Genetics
Classification: Uncertain significance. Last evaluated: 2023-06-16. Review status: criteria provided, single submitter. Criteria: Ambry Variant Classification Scheme 2023. Collection method: clinical testing. Allele origin: germline.

Institute of Human Genetics, Univ. Regensburg, Univ. Regensburg
Classification: Uncertain significance for Retinal dystrophy. Last evaluated: 2022-01-01. Review status: no assertion criteria provided. Criteria: ACMG Guidelines, 2015. Collection method: clinical testing. Allele origin: germline. Affected: yes. Not counted in ClinVar's aggregate classification.

NM_001563.4(IMPG1):c.1882T>C (p.Phe628Leu)

Gene: IMPG1 (interphotoreceptor matrix proteoglycan 1; minus strand). Cytogenetic location: 6q14.1.
Variant type: single nucleotide variant.
Coding change: c.1882T>C on transcript NM_001563.4 (MANE Select); coding-DNA position 1882, T replaced by C.
Protein change: p.Phe628Leu; replaces phenylalanine 628 with leucine.
Molecular consequence: missense variant.
Genome position (GRCh38, 1-based): chr6:75,947,476, A>G on the plus strand (T>C on the coding strand, the complement: IMPG1 is on the minus strand). VCF-style: chr6-75947476-A-G. GRCh37 (hg19) VCF-style: chr6-76657193-A-G.
Other names: c.1648T>C, p.Phe550Leu (NM_001282368.2); c.1882T>C (NM_001563.2); short protein forms F550L, F628L.
Identifiers: ClinVar variation 855864 (VCV000855864.14), dbSNP rs756434628, ClinGen allele CA3898015.